The following is an entry in ClinVar:

ClinVar aggregate classification (germline): Uncertain significance (1 of 4 stars; one submission).

Conditions:
FG syndrome (FGS). Identifiers: MedGen C0220769, MONDO:0002010.

Allele frequency attached by ClinVar (database versions not stated): gnomAD exomes below 0.00001; ExAC 0.00001.
gnomAD v4.1: 2 of 1,210,982 alleles (0.00017%); highest among the groups gnomAD compares: Non-Finnish European, 0.00022%; no homozygotes.

Submission:

Labcorp Genetics (formerly Invitae), Labcorp
Classification: Uncertain significance for FG syndrome. Last evaluated: 2021-12-23. Review status: criteria provided, single submitter. Criteria: Invitae Variant Classification Sherloc (09022015). Collection method: clinical testing. Allele origin: germline.
Comment: This sequence change replaces valine, which is neutral and non-polar, with methionine, which is neutral and non-polar, at codon 1588 of the MED12 protein (p.Val1588Met). This variant is present in population databases (rs767396596, gnomAD 0.001%), including at least one homozygous and/or hemizygous individual. This variant has not been reported in the literature in individuals affected with MED12-related conditions. Advanced modeling of protein sequence and biophysical properties (such as structural, functional, and spatial information, amino acid conservation, physicochemical variation, residue mobility, and thermodynamic stability) performed at Invitae indicates that this missense variant is expected to disrupt MED12 protein function. In summary, the available evidence is currently insufficient to determine the role of this variant in disease. Therefore, it has been classified as a Variant of Uncertain Significance.

NM_005120.3(MED12):c.4762G>A (p.Val1588Met)

Gene: MED12 (mediator complex subunit 12; plus strand). Cytogenetic location: Xq13.1.
Variant type: single nucleotide variant.
Coding change: c.4762G>A on transcript NM_005120.3 (MANE Select); coding-DNA position 4762, G replaced by A.
Protein change: p.Val1588Met; replaces valine 1588 with methionine.
Molecular consequence: missense variant.
Genome position (GRCh38, 1-based): chrX:71,134,747, G>A. VCF-style: chrX-71134747-G-A. GRCh37 (hg19) VCF-style: chrX-70354597-G-A.
Other names: short protein forms V1588M.
Identifiers: ClinVar variation 1927430 (VCV001927430.5), dbSNP rs767396596, ClinGen allele CA10444700.